The following is an entry in ClinVar:

ClinVar aggregate classification (germline): Uncertain significance (1 of 4 stars; one submission).

Allele frequency attached by ClinVar (database versions not stated): gnomAD exomes below 0.00001; ExAC 0.00001.
gnomAD v4.1: 2 of 1,542,412 alleles (0.00013%); highest among the groups gnomAD compares: Admixed American, 0.0017%; no homozygotes.

Submission:

Women's Health and Genetics/Laboratory Corporation of America, LabCorp
Classification: Uncertain significance. Last evaluated: 2023-01-05. Review status: criteria provided, single submitter. Criteria: LabCorp Variant Classification Summary - May 2015. Collection method: clinical testing. Allele origin: germline.
Comment: Variant summary: WDR26 c.1949A>G (p.Gln650Arg) results in a conservative amino acid change in the encoded protein sequence. Three of five in-silico tools predict a benign effect of the variant on protein function. The variant allele was found at a frequency of 4.1e-06 in 246470 control chromosomes (gnomAD). The available data on variant occurrences in the general population are insufficient to allow any conclusion about variant significance. To our knowledge, no occurrence of c.1949A>G in individuals affected with Skraban-Deardorff Syndrome and no experimental evidence demonstrating its impact on protein function have been reported. No clinical diagnostic laboratories have submitted clinical-significance assessments for this variant to ClinVar after 2014. Based on the evidence outlined above, the variant was classified as uncertain significance.

NM_001379403.1(WDR26):c.2249A>G (p.Gln750Arg)

Gene: WDR26 (WD repeat domain 26; minus strand). Cytogenetic location: 1q42.11.
Variant type: single nucleotide variant.
Coding change: c.2249A>G on transcript NM_001379403.1 (MANE Select); coding-DNA position 2249, A replaced by G.
Protein change: p.Gln750Arg; replaces glutamine 750 with arginine.
Molecular consequence: missense variant.
Genome position (GRCh38, 1-based): chr1:224,393,839, T>C on the plus strand (A>G on the coding strand, the complement: WDR26 is on the minus strand). VCF-style: chr1-224393839-T-C. GRCh37 (hg19) VCF-style: chr1-224581541-T-C.
Other names: c.1901A>G, p.Gln634Arg (NM_001115113.3); c.1949A>G, p.Gln650Arg (NM_025160.7); short protein forms Q634R, Q650R, Q750R.
Identifiers: ClinVar variation 2429289 (VCV002429289.3), dbSNP rs752459782, ClinGen allele CA1414834.
Genomic context (GRCh38, chr1:224,393,839, plus strand): 5'-GTGATGTTTCATTTGGACAAAACATAGTAACATTATACAAAGGTATTACCTTCAATATTC[T>C]GGTGGTCTATAAAAGGTGCTGGTCCCCATATTCTAACAGTGCCATCATCTGAGGCGCTGG-3'
Protein context (NP_001366332.1, residues 740-760): IWGPAPFIDH[Gln750Arg]NIEEECSSMD